The following is an entry in ClinVar:

NM_000277.3(PAH):c.935G>T (p.Gly312Val)

Gene: PAH (phenylalanine hydroxylase; minus strand). Cytogenetic location: 12q23.2.
Variant type: single nucleotide variant.
Coding change: c.935G>T on transcript NM_000277.3 (MANE Select); coding-DNA position 935, G replaced by T.
Protein change: p.Gly312Val; replaces glycine 312 with valine.
Molecular consequence: missense variant.
Genome position (GRCh38, 1-based): chr12:102,846,929, C>A on the plus strand (G>T on the coding strand, the complement: PAH is on the minus strand). VCF-style: chr12-102846929-C-A. GRCh37 (hg19) VCF-style: chr12-103240707-C-A.
Other names: NM_000277.1:c.935G>T; c.935G>T (NM_000277.2); c.935G>T, p.Gly312Val (NM_001354304.2); short protein forms G312V.
Identifiers: ClinVar variation 1458264 (VCV001458264.11), dbSNP rs62642915, ClinGen allele CA16020902.

ClinVar aggregate classification (germline): Pathogenic. Review status: reviewed by expert panel (3 of 4 stars). 4 submissions from 4 submitters: Pathogenic (1). 3 of the submissions do not count toward it. Last evaluated 2023-12-30.

Conditions:
Phenylketonuria (PKU). Also called: OLIGOPHRENIA PHENYLPYRUVICA; Phenylketonurias; Phenylketonuria (PKU); FOLLING DISEASE. Identifiers: Orphanet 716, MedGen C0031485, MONDO:0009861, OMIM 261600. Disease mechanism: loss of function.

Allele frequency attached by ClinVar (database versions not stated): gnomAD exomes below 0.00001.
gnomAD v4.1: 1 of 1,613,614 alleles (0.000062%); highest among the groups gnomAD compares: East Asian, 0.0022%; no homozygotes.

Submissions (4):

ClinGen PAH Variant Curation Expert Panel
Classification: Pathogenic for Phenylketonuria. Last evaluated: 2023-12-30. Review status: reviewed by expert panel. Criteria: ClinGen PAH ACMG Specifications v1. Collection method: curation. Allele origin: germline. Inheritance: Autosomal recessive inheritance.
Comment: The NM_000277.3:c.935G>T (p.Gly312Val) is a missense variant in exon 9/13 of PAH. The variant was found to reduce PAH enzymatic activity to 6-7% of wild-type enzyme activity in transfected cells (PMID: 18590700) (PS3_supporting). The variant has been noted in at least six PKU patients with BH4 deficiency excluded (PP4_Moderate), five of whom harbored it in confirmed trans with a Pathogenic or Likely Pathogenic variant (5 points; PM3_VeryStrong). BH4 deficiency was excluded by analysis of urinary pterins and dihydropteridine reductase activity in erythrocytes and by sequencing of genes in the BH4 cofactor metabolism pathway (PMID: 14722928). BH4 deficiency was said to be ruled out (PMID: 24401910). It was found in four Chinese PKU patients (BH4 deficiency excluded by analysis of urinary pterins and dihydropteridine reductase activity in erythrocytes and by sequencing of genes in the BH4 cofactor metabolism pathway) in the following cases: two patients with mild hyperphenylalanemia in confirmed trans with the p.R241C variant (Pathogenic per ClinGen PAH VCEP); one patient with classic PKU in confirmed trans with the p.R413P variant (Pathogenic per ClinGen PAH VCEP); and one patient with mild hyperphenylalanemia in confirmed trans with the p.T372S variant (Likely Pathogenic per ClinGen PAH VCEP) (PMID: 30050108). One heterozygote for the variant is present in gnomAD, corresponding to a global frequency of 0.00000398 and a maximum population frequency of 0.0000544 (East Asian), under the frequency cutoff of 0.0002 for use of PM2 (PM2_supporting). The variant is predicted damaging by multiple in-silico missense predictors, including REVEL (REVEL score 0.942) (PP3). Classification: Pathogenic Supporting Criteria: PM3_VeryStrong; PS3_supporting; PM2_supporting; PP4_Moderate; PP3

Natera, Inc.
Classification: Pathogenic for Phenylketonuria. Last evaluated: 2025-05-27. Review status: criteria provided, single submitter. Criteria: Natera Variant Classification Schema (03/2026). Collection method: clinical testing. Allele origin: germline. Not counted in ClinVar's aggregate classification.
Comment: The c.935G>T variant in PAH is a missense variant predicted to cause substitution of glycine to valine at amino acid 312. This variant is rare in the general population with a frequency below the threshold expected for the associated phenotype(s). This variant has been observed in one or more individuals affected with the associated recessive disease, as either homozygous or compound heterozygous with a second variant (PMID: 24401910). Given the available evidence, this variant is classified as Pathogenic.

Labcorp Genetics (formerly Invitae), Labcorp
Classification: Pathogenic for Phenylketonuria. Last evaluated: 2023-01-22. Review status: criteria provided, single submitter. Criteria: Invitae Variant Classification Sherloc (09022015). Collection method: clinical testing. Allele origin: germline. Not counted in ClinVar's aggregate classification.
Comment: This missense change has been observed in individual(s) with hyperphenylalaninemia (PMID: 24401910, 28982351). This variant is present in population databases (no rsID available, gnomAD 0.006%). This sequence change replaces glycine, which is neutral and non-polar, with valine, which is neutral and non-polar, at codon 312 of the PAH protein (p.Gly312Val). ClinVar contains an entry for this variant (Variation ID: 1458264). For these reasons, this variant has been classified as Pathogenic. Advanced modeling of protein sequence and biophysical properties (such as structural, functional, and spatial information, amino acid conservation, physicochemical variation, residue mobility, and thermodynamic stability) performed at Invitae indicates that this missense variant is expected to disrupt PAH protein function.

Neonatal Disease Screening Center, Medical Genetics Center, Huaihua City Maternal and Child Health Care Hospital
Classification: Pathogenic for Phenylketonuria. Review status: no assertion criteria provided. Criteria: ACMG Guidelines, 2015. Collection method: clinical testing. Allele origin: germline. Affected: yes. Observed: 1 variant allele. Not counted in ClinVar's aggregate classification.
Comment: PS3+PM2+PM3_S+PP3+PP4_M

Literature cited by the submitters: PubMed 24401910 (cited by Natera, Inc. and Labcorp Genetics (formerly Invitae), Labcorp); PubMed 28982351 (cited by Labcorp Genetics (formerly Invitae), Labcorp).